The following is an entry in ClinVar:

NM_001042492.3(NF1):c.3034A>T (p.Lys1012Ter)

Gene: NF1 (neurofibromin 1; plus strand). Cytogenetic location: 17q11.2.
Variant type: single nucleotide variant.
Coding change: c.3034A>T on transcript NM_001042492.3 (MANE Select); coding-DNA position 3034, A replaced by T.
Protein change: p.Lys1012Ter; replaces lysine 1012 with a stop codon.
Molecular consequence: nonsense.
Genome position (GRCh38, 1-based): chr17:31,230,303, A>T. VCF-style: chr17-31230303-A-T. GRCh37 (hg19) VCF-style: chr17-29557321-A-T.
Other names: c.3034A>T, p.Lys1012Ter (NM_000267.4); short protein forms K1012*.
Identifiers: ClinVar variation 834887 (VCV000834887.6), dbSNP rs2067091045, ClinGen allele CA398987325.

ClinVar aggregate classification (germline): Pathogenic (1 of 4 stars; one submission).

Conditions:
Neurofibromatosis, type 1 (NF1). Also called: Peripheral type neurofibromatosis; Neurofibromatosis, type I; VON RECKLINGHAUSEN DISEASE; NEUROFIBROMATOSIS, TYPE I, SOMATIC. Identifiers: Orphanet 636, MedGen C0027831, MONDO:0018975, OMIM 162200. Disease mechanism: loss of function.

Submission:

Labcorp Genetics (formerly Invitae), Labcorp
Classification: Pathogenic for Neurofibromatosis, type 1. Last evaluated: 2019-12-04. Review status: criteria provided, single submitter. Criteria: Invitae Variant Classification Sherloc (09022015). Collection method: clinical testing. Allele origin: germline.
Comment: For these reasons, this variant has been classified as Pathogenic. This sequence change creates a premature translational stop signal (p.Lys1012*) in the NF1 gene. It is expected to result in an absent or disrupted protein product. This variant is not present in population databases (ExAC no frequency). This variant has not been reported in the literature in individuals with NF1-related conditions. Loss-of-function variants in NF1 are known to be pathogenic (PMID: 10712197, 23913538).

Literature cited by the submitters: PubMed 10712197; PubMed 23913538.